The following is an entry in ClinVar:

NM_020461.4(TUBGCP6):c.553G>C (p.Ala185Pro)

Gene: TUBGCP6 (tubulin gamma complex component 6; minus strand). Cytogenetic location: 22q13.33.
Variant type: single nucleotide variant.
Coding change: c.553G>C on transcript NM_020461.4 (MANE Select); coding-DNA position 553, G replaced by C.
Protein change: p.Ala185Pro; replaces alanine 185 with proline.
Molecular consequence: missense variant.
Genome position (GRCh38, 1-based): chr22:50,243,907, C>G on the plus strand (G>C on the coding strand, the complement: TUBGCP6 is on the minus strand). VCF-style: chr22-50243907-C-G. GRCh37 (hg19) VCF-style: chr22-50682336-C-G.
Other names: short protein forms A185P.
Identifiers: ClinVar variation 838817 (VCV000838817.9), dbSNP rs2064882061, ClinGen allele CA412114958.

ClinVar aggregate classification (germline): Uncertain significance (1 of 4 stars; one submission).

Submission:

Labcorp Genetics (formerly Invitae), Labcorp
Classification: Uncertain significance. Last evaluated: 2019-12-13. Review status: criteria provided, single submitter. Criteria: Invitae Variant Classification Sherloc (09022015). Collection method: clinical testing. Allele origin: germline.
Comment: This sequence change replaces alanine with proline at codon 185 of the TUBGCP6 protein (p.Ala185Pro). The alanine residue is weakly conserved and there is a small physicochemical difference between alanine and proline. In summary, the available evidence is currently insufficient to determine the role of this variant in disease. Therefore, it has been classified as a Variant of Uncertain Significance. Algorithms developed to predict the effect of missense changes on protein structure and function output the following: SIFT: "Tolerated"; PolyPhen-2: "Possibly Damaging"; Align-GVGD: "Class C0". The proline amino acid residue is found in multiple mammalian species, suggesting that this missense change does not adversely affect protein function. These predictions have not been confirmed by published functional studies and their clinical significance is uncertain. This variant has not been reported in the literature in individuals with TUBGCP6-related conditions. This variant is not present in population databases (ExAC no frequency).